The following is an entry in ClinVar:

NM_022436.3(ABCG5):c.1792C>A (p.Pro598Thr)

Genes: ABCG5 (ATP binding cassette subfamily G member 5; minus strand), DYNC2LI1 (dynein cytoplasmic 2 light intermediate chain 1; plus strand). Cytogenetic location: 2p21.
Variant type: single nucleotide variant.
Coding change: c.1792C>A on transcript NM_022436.3 (MANE Select); coding-DNA position 1792, C replaced by A.
Protein change: p.Pro598Thr; replaces proline 598 with threonine.
Molecular consequence: missense variant. On other transcripts: intron variant (2).
Genome position (GRCh38, 1-based): chr2:43,813,280, G>T on the plus strand (C>A on the coding strand, the complement: ABCG5 is on the minus strand). VCF-style: chr2-43813280-G-T. GRCh37 (hg19) VCF-style: chr2-44040419-G-T.
Other names: c.*15+2756G>T (NM_001348913.2, NM_001348912.2); short protein forms P598T.
Identifiers: ClinVar variation 1780208 (VCV001780208.20), dbSNP rs1666578353, ClinGen allele CA346662276.

ClinVar aggregate classification (germline): Uncertain significance. Review status: criteria provided, multiple submitters, no conflicts (2 of 4 stars). 2 submissions from 2 submitters: Uncertain significance (2). Last evaluated 2024-05-01.

Conditions:
Cardiovascular phenotype. Identifiers: MedGen CN230736.

Allele frequency attached by ClinVar (database versions not stated): gnomAD exomes below 0.00001; TOPMed below 0.00001; gnomAD 0.00001.
gnomAD v4.1: 4 of 1,613,638 alleles (0.00025%); highest among the groups gnomAD compares: Non-Finnish European, 0.00034%; no homozygotes.

Submissions (2):

CeGaT Center for Human Genetics Tuebingen
Classification: Uncertain significance. Last evaluated: 2024-05-01. Review status: criteria provided, single submitter. Criteria: CeGaT Center For Human Genetics Tuebingen Variant Classification Criteria Version 2. Collection method: clinical testing. Allele origin: germline. Affected: yes. Observed: 1 variant allele.
Comment: ABCG5: PM2

Ambry Genetics
Classification: Uncertain significance for Cardiovascular phenotype. Last evaluated: 2022-10-23. Review status: criteria provided, single submitter. Criteria: Ambry Variant Classification Scheme 2023. Collection method: clinical testing. Allele origin: germline.
Comment: The p.P598T variant (also known as c.1792C>A), located in coding exon 13 of the ABCG5 gene, results from a C to A substitution at nucleotide position 1792. The proline at codon 598 is replaced by threonine, an amino acid with highly similar properties. This amino acid position is conserved. In addition, this alteration is predicted to be tolerated by in silico analysis. Since supporting evidence is limited at this time, the clinical significance of this alteration remains unclear.